The following is an entry in ClinVar:

NM_001365276.2(TNXB):c.9779C>A (p.Pro3260Gln)

Gene: TNXB (tenascin XB; minus strand). Cytogenetic location: 6p21.33.
Variant type: single nucleotide variant.
Coding change: c.9779C>A on transcript NM_001365276.2 (MANE Select); coding-DNA position 9779, C replaced by A.
Protein change: p.Pro3260Gln; replaces proline 3260 with glutamine.
Molecular consequence: missense variant.
Genome position (GRCh38, 1-based): chr6:32,048,629, G>T on the plus strand (C>A on the coding strand, the complement: TNXB is on the minus strand). VCF-style: chr6-32048629-G-T. GRCh37 (hg19) VCF-style: chr6-32016406-G-T.
Other names: c.10520C>A, p.Pro3507Gln (NM_001428335.1); c.9773C>A, p.Pro3258Gln (NM_019105.8); short protein forms P3260Q, P3258Q, P3507Q.
Identifiers: ClinVar variation 4188676 (VCV004188676.1).
Genomic context (GRCh38, chr6:32,048,629, plus strand): 5'-AGGCCCACTGAGTCCGAGGTCACGGCCGCCACCGCCAGCTCCCCCAGGCGGGGCTCCACC[G>T]GCAGTGGTGTGGGCAGGGGCGCTGAAAAGAGCAGAGCAGGCCCATGGGTCAGGAGGCAGG-3'
Protein context (NP_001352205.1, residues 3250-3270): GITAPLPTPL[Pro3260Gln]VEPRLGELAV

ClinVar aggregate classification (germline): Uncertain significance (1 of 4 stars; one submission).

Conditions:
Cardiovascular phenotype. Identifiers: MedGen CN230736.

gnomAD v4.1: 1 of 1,512,630 alleles (0.000066%); highest among the groups gnomAD compares: Admixed American, 0.0019%; no homozygotes.

Submission:

Ambry Genetics
Classification: Uncertain significance for Cardiovascular phenotype. Last evaluated: 2025-06-22. Review status: criteria provided, single submitter. Criteria: Ambry Variant Classification Scheme 2023. Collection method: clinical testing. Allele origin: germline.
Comment: The p.P3258Q variant (also known as c.9773C>A), located in coding exon 28 of the TNXB gene, results from a C to A substitution at nucleotide position 9773. The proline at codon 3258 is replaced by glutamine, an amino acid with similar properties. This amino acid position is conserved. In addition, this alteration is predicted to be tolerated by in silico analysis. Based on the available evidence, the clinical significance of this variant remains unclear.